The following is an entry in ClinVar:

ClinVar aggregate classification (germline): Uncertain significance (1 of 4 stars; one submission).

Conditions:
Proline dehydrogenase deficiency (HYRPRO1). Also called: PROLINE OXIDASE DEFICIENCY; Hyperprolinemia type 1. Identifiers: Orphanet 419, MedGen C0268529, MONDO:0009400, OMIM 239500.

Submission:

3billion
Classification: Uncertain significance for Proline dehydrogenase deficiency. Last evaluated: 2025-05-29. Review status: criteria provided, single submitter. Criteria: ACMG Guidelines, 2015. Collection method: clinical testing. Allele origin: germline. Affected: yes.
Comment: The variant is not observed in the gnomAD v4.1.0 dataset. Predicted Consequence/Location: Intron variant In silico tools predict the variant to alter splicing and produce an abnormal transcript [SpliceAI: 0.39 (>=0.2, moderate evidence for spliceogenicity)]. Therefore, this variant is classified as VUS according to the recommendation of ACMG/AMP guideline.

NM_016335.6(PRODH):c.1615+24_1615+38del

Gene: PRODH (proline dehydrogenase 1; minus strand). Cytogenetic location: 22q11.21.
Variant type: Deletion.
Coding change: c.1615+24_1615+38del on transcript NM_016335.6 (MANE Select); bases 24 to 38 of the intron after coding-DNA position 1615, 15 bases deleted (GATGGGGTACGGTGC).
Molecular consequence: intron variant.
Genome position (GRCh38, 1-based): chr22:18,913,400-18,913,414, GCACCGTACCCCATC deleted on the plus strand (GATGGGGTACGGTGC on the coding strand, the reverse complement: PRODH is on the minus strand); deleting any 15 consecutive bases within chr22:18,913,400-18,913,419 gives the same sequence; the c. name uses the placement nearest the transcript's 3' end. VCF-style (leftmost placement, unchanged base first): chr22-18913399-AGCACCGTACCCCATC-A. GRCh37 (hg19) VCF-style: chr22-18900912-AGCACCGTACCCCATC-A.
Other names: c.1291+24_1291+38del (NM_001195226.2, NM_001368250.2).
Identifiers: ClinVar variation 4856352 (VCV004856352.1).
Genomic context (GRCh38, chr22:18,913,399, plus strand): 5'-TGTACACGGGGTAGCCGGCCTGGCCTGCATGGGGGCAGATACACCATGAGGCCCAGGCCC[AGCACCGTACCCCATC>A]GCACCAGGGAGGGCCCCACTCACCCAGCGGGAAGCTGATCTGGTCACACATGCCTAGCAG-3'